The following is an entry in ClinVar:

ClinVar aggregate classification (germline): Benign. Review status: criteria provided, multiple submitters, no conflicts (2 of 4 stars). 9 submissions from 9 submitters: Benign (6). 3 of the submissions do not count toward it. Last evaluated 2026-02-03.

Conditions:
Neurodegeneration with brain iron accumulation 5 (NBIA5). Also called: STATIC ENCEPHALOPATHY OF CHILDHOOD WITH NEURODEGENERATION IN ADULTHOOD; Beta-propeller protein-associated neurodegeneration. Identifiers: Orphanet 329284, MedGen C3550973, MONDO:0010476, OMIM 300894.

Allele frequency attached by ClinVar (database versions not stated): 1000 Genomes Project 0.01748; 1000 Genomes Project 30x 0.01852; TOPMed 0.03546; gnomAD 0.04063 and 0.04158; ESP Exome Variant Server 0.04382; gnomAD exomes 0.04444 and 0.05785; ExAC 0.08107.
gnomAD v4.1: 65,855 of 1,174,583 alleles (5.6%); highest among the groups gnomAD compares: Non-Finnish European, 6.3%; 1,497 homozygotes.

Submissions (9):

Labcorp Genetics (formerly Invitae), Labcorp
Classification: Benign for Neurodegeneration with brain iron accumulation 5. Last evaluated: 2026-02-03. Review status: criteria provided, single submitter. Criteria: Invitae Variant Classification Sherloc (09022015). Collection method: clinical testing. Allele origin: germline.

Blueprint Genetics
Classification: Benign. Last evaluated: 2024-11-28. Review status: criteria provided, single submitter. Criteria: ACMG Guidelines, 2015. Collection method: clinical testing. Allele origin: germline.

Genome-Nilou Lab
Classification: Benign for Neurodegeneration with brain iron accumulation 5. Last evaluated: 2021-12-05. Review status: criteria provided, single submitter. Criteria: ACMG Guidelines, 2015. Collection method: clinical testing. Allele origin: germline. Affected: no.

GeneDx
Classification: Benign. Last evaluated: 2016-01-09. Review status: criteria provided, single submitter. Criteria: GeneDx Variant Classification (06012015). Collection method: clinical testing. Allele origin: germline. Affected: yes.
Comment: This variant is considered likely benign or benign based on one or more of the following criteria: it is a conservative change, it occurs at a poorly conserved position in the protein, it is predicted to be benign by multiple in silico algorithms, and/or has population frequency not consistent with disease.

Eurofins Ntd Llc (ga)
Classification: Benign. Last evaluated: 2015-05-21. Review status: criteria provided, single submitter. Criteria: EGL Classification Definitions 2015. Collection method: clinical testing. Allele origin: germline. Observed: 6 variant alleles, 6 heterozygotes.

Breakthrough Genomics
Classification: Benign. Review status: criteria provided, single submitter. Criteria: ACMG Guidelines, 2015. Collection method: not provided. Allele origin: germline. Inheritance: X-linked inheritance. Affected: yes.

Clinical Genetics DNA and cytogenetics Diagnostics Lab, Erasmus MC, Erasmus Medical Center
Classification: Benign. Review status: no assertion criteria provided. Collection method: clinical testing. Allele origin: germline. Affected: yes. Study: VKGL Data-share Consensus. Not counted in ClinVar's aggregate classification.

Genome Diagnostics Laboratory, Amsterdam University Medical Center
Classification: Benign. Review status: no assertion criteria provided. Collection method: clinical testing. Allele origin: germline. Affected: yes. Study: VKGL Data-share Consensus. Not counted in ClinVar's aggregate classification.

Joint Genome Diagnostic Labs from Nijmegen and Maastricht, Radboudumc and MUMC+
Classification: Benign. Review status: no assertion criteria provided. Collection method: clinical testing. Allele origin: germline. Affected: yes. Study: VKGL Data-share Consensus. Not counted in ClinVar's aggregate classification.

NM_001029896.2(WDR45):c.235+18G>T

Genes: WDR45 (WD repeat domain 45; minus strand), LOC126863256 (BRD4-independent group 4 enhancer GRCh37_chrX:48934848-48936047; plus strand). Cytogenetic location: Xp11.23.
Variant type: single nucleotide variant.
Coding change: c.235+18G>T on transcript NM_001029896.2 (MANE Select); 18 bases into the intron after coding-DNA position 235, G replaced by T.
Molecular consequence: intron variant.
Genome position (GRCh38, 1-based): chrX:49,077,625, C>A on the plus strand (G>T on the coding strand, the complement: WDR45 is on the minus strand). VCF-style: chrX-49077625-C-A. GRCh37 (hg19) VCF-style: chrX-48935284-C-A.
Other names: c.235+18G>T (NM_007075.4).
Identifiers: ClinVar variation 197791 (VCV000197791.21), dbSNP rs55727094, ClinGen allele CA203091.